The following is an entry in ClinVar:

ClinVar aggregate classification (germline): Uncertain significance. Review status: criteria provided, multiple submitters, no conflicts (2 of 4 stars). 3 submissions from 3 submitters: Uncertain significance (3). Last evaluated 2022-06-12.

Conditions:
Retinitis pigmentosa 43 (RP43). Identifiers: Orphanet 791, MedGen C3151139, MONDO:0013437, OMIM 613810.

Submissions (3):

Labcorp Genetics (formerly Invitae), Labcorp
Classification: Uncertain significance. Last evaluated: 2022-06-12. Review status: criteria provided, single submitter. Criteria: Invitae Variant Classification Sherloc (09022015). Collection method: clinical testing. Allele origin: germline.
Comment: In summary, the available evidence is currently insufficient to determine the role of this variant in disease. Therefore, it has been classified as a Variant of Uncertain Significance. Variants that disrupt the consensus splice site are a relatively common cause of aberrant splicing (PMID: 17576681, 9536098). Algorithms developed to predict the effect of sequence changes on RNA splicing suggest that this variant may disrupt the consensus splice site. ClinVar contains an entry for this variant (Variation ID: 1213875). This variant has not been reported in the literature in individuals affected with PDE6A-related conditions. This variant is not present in population databases (gnomAD no frequency). This sequence change falls in intron 17 of the PDE6A gene. It does not directly change the encoded amino acid sequence of the PDE6A protein. It affects a nucleotide within the consensus splice site.

DBGen Ocular Genomics
Classification: Uncertain significance for Retinitis pigmentosa 43. Last evaluated: 2021-06-18. Review status: criteria provided, single submitter. Criteria: ACMG Guidelines, 2015. Collection method: clinical testing. Allele origin: germline. Affected: yes. Observed: 1 variant allele.

Blueprint Genetics
Classification: Uncertain significance. Last evaluated: 2018-06-27. Review status: criteria provided, single submitter. Criteria: ACMG Guidelines, 2015. Collection method: clinical testing. Allele origin: germline.

Literature cited by the submitters: PubMed 17576681 (cited by Labcorp Genetics (formerly Invitae), Labcorp); PubMed 9536098 (cited by Labcorp Genetics (formerly Invitae), Labcorp).

NM_000440.3(PDE6A):c.2135+5G>A

Gene: PDE6A (phosphodiesterase 6A; minus strand). Cytogenetic location: 5q32.
Variant type: single nucleotide variant.
Coding change: c.2135+5G>A on transcript NM_000440.3 (MANE Select); 5 bases into the intron after coding-DNA position 2135, G replaced by A.
Molecular consequence: intron variant.
Genome position (GRCh38, 1-based): chr5:149,883,424, C>T on the plus strand (G>A on the coding strand, the complement: PDE6A is on the minus strand). VCF-style: chr5-149883424-C-T. GRCh37 (hg19) VCF-style: chr5-149262987-C-T.
Identifiers: ClinVar variation 1213875 (VCV001213875.8), dbSNP rs2113549054, ClinGen allele CA2499217732.